The following is an entry in ClinVar:

ClinVar aggregate classification (germline): Conflicting classifications of pathogenicity. Review status: criteria provided, conflicting classifications (1 of 4 stars). 2 submissions from 2 submitters: Uncertain significance (1); Likely benign (1). Last evaluated 2025-12-02.

Conditions:
Retinal dystrophy. Also called: Inherited retinal dystrophy. Identifiers: Orphanet 71862, MedGen C0854723, MeSH D058499, MONDO:0019118, HP:0000556.

Allele frequency attached by ClinVar (database versions not stated): gnomAD exomes 0.00001.
gnomAD v4.1: 9 of 1,614,212 alleles (0.00056%); highest among the groups gnomAD compares: East Asian, 0.016%; no homozygotes.

Submissions (2):

Labcorp Genetics (formerly Invitae), Labcorp
Classification: Uncertain significance. Last evaluated: 2025-12-02. Review status: criteria provided, single submitter. Criteria: Invitae Variant Classification Sherloc (09022015). Collection method: clinical testing. Allele origin: germline.
Comment: This sequence change replaces asparagine, which is neutral and polar, with serine, which is neutral and polar, at codon 928 of the TOPORS protein (p.Asn928Ser). This variant is present in population databases (no rsID available, gnomAD 0.01%). This variant has not been reported in the literature in individuals affected with TOPORS-related conditions. ClinVar contains an entry for this variant (Variation ID: 1019684). An algorithm developed to predict the effect of missense changes on protein structure and function outputs the following: PolyPhen-2: "Not Available". The serine amino acid residue is found in multiple mammalian species, which suggests that this missense change does not adversely affect protein function. In summary, the available evidence is currently insufficient to determine the role of this variant in disease. Therefore, it has been classified as a Variant of Uncertain Significance.

Dept Of Ophthalmology, Nagoya University
Classification: Likely benign for Retinal dystrophy. Last evaluated: 2023-10-01. Review status: criteria provided, single submitter. Criteria: Submitter's publication. Collection method: research. Allele origin: germline. Affected: yes.

NM_005802.5(TOPORS):c.2783A>G (p.Asn928Ser)

Gene: TOPORS (TOP1 binding arginine/serine rich protein, E3 ubiquitin ligase; minus strand). Cytogenetic location: 9p21.1.
Variant type: single nucleotide variant.
Coding change: c.2783A>G on transcript NM_005802.5 (MANE Select); coding-DNA position 2783, A replaced by G.
Protein change: p.Asn928Ser; replaces asparagine 928 with serine.
Molecular consequence: missense variant.
Genome position (GRCh38, 1-based): chr9:32,541,742, T>C on the plus strand (A>G on the coding strand, the complement: TOPORS is on the minus strand). VCF-style: chr9-32541742-T-C. GRCh37 (hg19) VCF-style: chr9-32541740-T-C.
Other names: c.2588A>G, p.Asn863Ser (NM_001195622.2); short protein forms N863S, N928S.
Identifiers: ClinVar variation 1019684 (VCV001019684.9), dbSNP rs1369702932, ClinGen allele CA373161067.